The following is an entry in ClinVar:

ClinVar aggregate classification (germline): Uncertain significance. Review status: criteria provided, multiple submitters, no conflicts (2 of 4 stars). 3 submissions from 3 submitters: Uncertain significance (3). Last evaluated 2024-06-09.

Conditions:
Hyperkalemic periodic paralysis. Also called: Familial hyperkalemic periodic paralysis; Gamstorp disease. Identifiers: Orphanet 682, MedGen C0238357, MONDO:0008224, OMIM 170500, HP:0007215.
Inborn genetic diseases. Identifiers: MedGen C0950123, MeSH D030342.

Allele frequency attached by ClinVar (database versions not stated): TOPMed 0.00001; gnomAD 0.00002; gnomAD exomes 0.00004; ExAC 0.00007.

Submissions (3):

Labcorp Genetics (formerly Invitae), Labcorp
Classification: Uncertain significance for Hyperkalemic periodic paralysis. Last evaluated: 2024-06-09. Review status: criteria provided, single submitter. Criteria: Invitae Variant Classification Sherloc (09022015). Collection method: clinical testing. Allele origin: germline.
Comment: This sequence change replaces isoleucine, which is neutral and non-polar, with valine, which is neutral and non-polar, at codon 1053 of the SCN4A protein (p.Ile1053Val). This variant is present in population databases (rs776179378, gnomAD 0.05%). This variant has not been reported in the literature in individuals affected with SCN4A-related conditions. ClinVar contains an entry for this variant (Variation ID: 2395968). Advanced modeling of protein sequence and biophysical properties (such as structural, functional, and spatial information, amino acid conservation, physicochemical variation, residue mobility, and thermodynamic stability) performed at Invitae indicates that this missense variant is not expected to disrupt SCN4A protein function with a negative predictive value of 95%. In summary, the available evidence is currently insufficient to determine the role of this variant in disease. Therefore, it has been classified as a Variant of Uncertain Significance.

Revvity Omics, Revvity
Classification: Uncertain significance. Last evaluated: 2022-01-03. Review status: criteria provided, single submitter. Criteria: ACMG Guidelines, 2015. Collection method: clinical testing. Allele origin: germline.

Ambry Genetics
Classification: Uncertain significance for Inborn genetic diseases. Last evaluated: 2021-08-12. Review status: criteria provided, single submitter. Criteria: Ambry Variant Classification Scheme 2023. Collection method: clinical testing. Allele origin: germline.

NM_000334.4(SCN4A):c.3157A>G (p.Ile1053Val)

Genes: GH-LCR (growth hormone locus control region; plus strand), SCN4A (sodium voltage-gated channel alpha subunit 4; minus strand). Cytogenetic location: 17q23.3.
Variant type: single nucleotide variant.
Coding change: c.3157A>G on transcript NM_000334.4 (MANE Select); coding-DNA position 3157, A replaced by G.
Protein change: p.Ile1053Val; replaces isoleucine 1053 with valine.
Molecular consequence: missense variant.
Genome position (GRCh38, 1-based): chr17:63,948,051, T>C on the plus strand (A>G on the coding strand, the complement: SCN4A is on the minus strand). VCF-style: chr17-63948051-T-C. GRCh37 (hg19) VCF-style: chr17-62025411-T-C.
Other names: short protein forms I1053V.
Identifiers: ClinVar variation 2395968 (VCV002395968.8), dbSNP rs776179378, ClinGen allele CA8709361.